The following is an entry in ClinVar:

NM_017636.4(TRPM4):c.1490A>T (p.Glu497Val)

Gene: TRPM4 (transient receptor potential cation channel subfamily M member 4; plus strand). Cytogenetic location: 19q13.33.
Variant type: single nucleotide variant.
Coding change: c.1490A>T on transcript NM_017636.4 (MANE Select); coding-DNA position 1490, A replaced by T.
Protein change: p.Glu497Val; replaces glutamic acid 497 with valine.
Molecular consequence: missense variant. On other transcripts: 5 prime UTR variant (1).
Genome position (GRCh38, 1-based): chr19:49,182,804, A>T. VCF-style: chr19-49182804-A-T. GRCh37 (hg19) VCF-style: chr19-49686061-A-T.
Other names: c.1490A>T, p.Glu497Val (NM_001195227.2); c.1145A>T, p.Glu382Val (NM_001321281.2); c.-64A>T (NM_001321282.2); c.968A>T, p.Glu323Val (NM_001321283.2); c.428A>T, p.Glu143Val (NM_001321285.2); short protein forms E143V, E323V, E497V, E382V.
Identifiers: ClinVar variation 4696576 (VCV004696576.1).
Genomic context (GRCh38, chr19:49,182,804, plus strand): 5'-TGGACCAGGCGTCCCACAGCGCAGGCACCAAAGCCCCAGCCCTAAAAGGGGGAGCTGCGG[A>T]GCTCCGGCCCCCTGACGTGGGGCATGTGCTGAGGATGCTGCTGGGGAAGATGTGCGCGCC-3'
Protein context (NP_060106.2, residues 487-507): KAPALKGGAA[Glu497Val]LRPPDVGHVL

ClinVar aggregate classification (germline): Uncertain significance (1 of 4 stars; one submission).

Conditions:
Progressive familial heart block type IB (PFHB1B). Identifiers: Orphanet 871, MedGen C1970298, MONDO:0011474, OMIM 604559.

Submission:

Labcorp Genetics (formerly Invitae), Labcorp
Classification: Uncertain significance for Progressive familial heart block type IB. Last evaluated: 2025-04-23. Review status: criteria provided, single submitter. Criteria: Invitae Variant Classification Sherloc (09022015). Collection method: clinical testing. Allele origin: germline.
Comment: This sequence change replaces glutamic acid, which is acidic and polar, with valine, which is neutral and non-polar, at codon 497 of the TRPM4 protein (p.Glu497Val). This variant is not present in population databases (gnomAD no frequency). This variant has not been reported in the literature in individuals affected with TRPM4-related conditions. An algorithm developed to predict the effect of missense changes on protein structure and function outputs the following: PolyPhen-2: "Benign". The valine amino acid residue is found in multiple mammalian species, which suggests that this missense change does not adversely affect protein function. In summary, the available evidence is currently insufficient to determine the role of this variant in disease. Therefore, it has been classified as a Variant of Uncertain Significance.